The following is an entry in ClinVar:

NM_080911.3(UNG):c.65C>T (p.Pro22Leu)

Gene: UNG (uracil DNA glycosylase; plus strand). Cytogenetic location: 12q24.11.
Variant type: single nucleotide variant.
Coding change: c.65C>T on transcript NM_080911.3 (MANE Select); coding-DNA position 65, C replaced by T.
Protein change: p.Pro22Leu; replaces proline 22 with leucine.
Molecular consequence: missense variant.
Genome position (GRCh38, 1-based): chr12:109,097,744, C>T. VCF-style: chr12-109097744-C-T. GRCh37 (hg19) VCF-style: chr12-109535549-C-T.
Other names: short protein forms P22L.
Identifiers: ClinVar variation 880878 (VCV000880878.6), dbSNP rs373668102, ClinGen allele CA6772441.

ClinVar aggregate classification (germline): Uncertain significance. Review status: criteria provided, multiple submitters, no conflicts (2 of 4 stars). 3 submissions from 3 submitters: Uncertain significance (3). Last evaluated 2024-05-07.

Conditions:
Hyper-IgM syndrome type 5 (HIGM5). Also called: Hyper-IgM Immunodeficiency Syndrome, Type 5. Identifiers: Orphanet 101092, MedGen C1720958, MONDO:0011971, OMIM 608106.

Allele frequency attached by ClinVar (database versions not stated): gnomAD 0.00001; gnomAD exomes 0.00002 and 0.00004; TOPMed 0.00002; ExAC 0.00006; ESP Exome Variant Server 0.00008.
gnomAD v4.1: 60 of 1,579,058 alleles (0.0038%); highest among the groups gnomAD compares: Non-Finnish European, 0.005%; 1 homozygote.

Submissions (3):

Blueprint Genetics
Classification: Uncertain significance. Last evaluated: 2024-05-07. Review status: criteria provided, single submitter. Criteria: ACMG Guidelines, 2015. Collection method: clinical testing. Allele origin: germline.

Labcorp Genetics (formerly Invitae), Labcorp
Classification: Uncertain significance for Hyper-IgM syndrome type 5. Last evaluated: 2022-07-14. Review status: criteria provided, single submitter. Criteria: Invitae Variant Classification Sherloc (09022015). Collection method: clinical testing. Allele origin: germline.
Comment: This sequence change replaces proline, which is neutral and non-polar, with leucine, which is neutral and non-polar, at codon 22 of the UNG protein (p.Pro22Leu). This variant is present in population databases (rs373668102, gnomAD 0.003%). This variant has not been reported in the literature in individuals affected with UNG-related conditions. ClinVar contains an entry for this variant (Variation ID: 880878). Algorithms developed to predict the effect of missense changes on protein structure and function (SIFT, PolyPhen-2, Align-GVGD) all suggest that this variant is likely to be tolerated. In summary, the available evidence is currently insufficient to determine the role of this variant in disease. Therefore, it has been classified as a Variant of Uncertain Significance.

Illumina Laboratory Services, Illumina
Classification: Uncertain significance for Hyper-IgM syndrome type 5. Last evaluated: 2018-03-30. Review status: criteria provided, single submitter. Criteria: ICSL Variant Classification Criteria 13 December 2019. Collection method: clinical testing. Allele origin: germline.